The following is an entry in ClinVar:

ClinVar aggregate classification (germline): Likely pathogenic (1 of 4 stars; one submission).

Conditions:
Glycogen storage disease IXb (GSD9B). Also called: GLYCOGENOSIS OF LIVER AND MUSCLE, AUTOSOMAL RECESSIVE; GSD IXb; PHOSPHORYLASE KINASE DEFICIENCY OF LIVER AND MUSCLE, AUTOSOMAL RECESSIVE. Identifiers: Orphanet 79240, MedGen C0543514, MONDO:0009868, OMIM 261750.

Submission:

Labcorp Genetics (formerly Invitae), Labcorp
Classification: Likely pathogenic for Glycogen storage disease IXb. Last evaluated: 2023-02-09. Review status: criteria provided, single submitter. Criteria: Invitae Variant Classification Sherloc (09022015). Collection method: clinical testing. Allele origin: germline.
Comment: This variant has not been reported in the literature in individuals affected with PHKB-related conditions. In summary, the currently available evidence indicates that the variant is pathogenic, but additional data are needed to prove that conclusively. Therefore, this variant has been classified as Likely Pathogenic. Algorithms developed to predict the effect of sequence changes on RNA splicing suggest that this variant may disrupt the consensus splice site. This variant is not present in population databases (gnomAD no frequency). This sequence change affects an acceptor splice site in intron 8 of the PHKB gene. It is expected to disrupt RNA splicing. Variants that disrupt the donor or acceptor splice site typically lead to a loss of protein function (PMID: 16199547), and loss-of-function variants in PHKB are known to be pathogenic (PMID: 9215682, 9326319).

Literature cited by the submitters: PubMed 16199547; PubMed 9215682; PubMed 9326319.

NM_000293.3(PHKB):c.775-1G>A

Gene: PHKB (phosphorylase kinase regulatory subunit beta; plus strand). Cytogenetic location: 16q12.1.
Variant type: single nucleotide variant.
Coding change: c.775-1G>A on transcript NM_000293.3 (MANE Select); the canonical splice acceptor site of the intron before coding-DNA position 775, G replaced by A.
Molecular consequence: splice acceptor variant.
Genome position (GRCh38, 1-based): chr16:47,587,667, G>A. VCF-style: chr16-47587667-G-A. GRCh37 (hg19) VCF-style: chr16-47621578-G-A.
Other names: c.775-1G>A (NM_001363837.1); c.754-1G>A (NM_001031835.3).
Identifiers: ClinVar variation 2815633 (VCV002815633.3), dbSNP rs2506371794, ClinGen allele CA395794937.